The following is an entry in ClinVar:

ClinVar aggregate classification (germline): Uncertain significance (1 of 4 stars; one submission).

Conditions:
Cortical dysplasia-focal epilepsy syndrome (PTHSL1). Also called: Pitt-Hopkins-like syndrome 1. Identifiers: Orphanet 163681, Orphanet 221150, MedGen C2750246, MONDO:0012400, OMIM 610042.

Allele frequency attached by ClinVar (database versions not stated): gnomAD exomes below 0.00001.
gnomAD v4.1: 3 of 1,614,132 alleles (0.00019%); highest among the groups gnomAD compares: South Asian, 0.0011%; no homozygotes.

Submission:

Labcorp Genetics (formerly Invitae), Labcorp
Classification: Uncertain significance for Cortical dysplasia-focal epilepsy syndrome. Last evaluated: 2022-07-19. Review status: criteria provided, single submitter. Criteria: Invitae Variant Classification Sherloc (09022015). Collection method: clinical testing. Allele origin: germline.
Comment: In summary, the available evidence is currently insufficient to determine the role of this variant in disease. Therefore, it has been classified as a Variant of Uncertain Significance. Algorithms developed to predict the effect of missense changes on protein structure and function are either unavailable or do not agree on the potential impact of this missense change (SIFT: "Tolerated"; PolyPhen-2: "Possibly Damaging"; Align-GVGD: "Class C15"). ClinVar contains an entry for this variant (Variation ID: 864332). This variant has not been reported in the literature in individuals affected with CNTNAP2-related conditions. This variant is not present in population databases (gnomAD no frequency). This sequence change replaces isoleucine, which is neutral and non-polar, with valine, which is neutral and non-polar, at codon 846 of the CNTNAP2 protein (p.Ile846Val).

NM_014141.6(CNTNAP2):c.2536A>G (p.Ile846Val)

Gene: CNTNAP2 (contactin associated protein 2; plus strand). Cytogenetic location: 7q35.
Variant type: single nucleotide variant.
Coding change: c.2536A>G on transcript NM_014141.6 (MANE Select); coding-DNA position 2536, A replaced by G.
Protein change: p.Ile846Val; replaces isoleucine 846 with valine.
Molecular consequence: missense variant.
Genome position (GRCh38, 1-based): chr7:148,118,270, A>G. VCF-style: chr7-148118270-A-G. GRCh37 (hg19) VCF-style: chr7-147815362-A-G.
Other names: short protein forms I846V.
Identifiers: ClinVar variation 864332 (VCV000864332.6), dbSNP rs1804519311, ClinGen allele CA369927492.